The following is an entry in ClinVar:

ClinVar aggregate classification (germline): Uncertain significance (1 of 4 stars; one submission).

gnomAD v4.1: 1 of 1,612,116 alleles (0.000062%); no homozygotes.

Submission:

Labcorp Genetics (formerly Invitae), Labcorp
Classification: Uncertain significance. Last evaluated: 2024-09-23. Review status: criteria provided, single submitter. Criteria: Invitae Variant Classification Sherloc (09022015). Collection method: clinical testing. Allele origin: germline.
Comment: This sequence change replaces threonine, which is neutral and polar, with serine, which is neutral and polar, at codon 766 of the KIF11 protein (p.Thr766Ser). This variant is not present in population databases (gnomAD no frequency). This variant has not been reported in the literature in individuals affected with KIF11-related conditions. Invitae Evidence Modeling of protein sequence and biophysical properties (such as structural, functional, and spatial information, amino acid conservation, physicochemical variation, residue mobility, and thermodynamic stability) indicates that this missense variant is not expected to disrupt KIF11 protein function with a negative predictive value of 80%. In summary, the available evidence is currently insufficient to determine the role of this variant in disease. Therefore, it has been classified as a Variant of Uncertain Significance.

NM_004523.4(KIF11):c.2297C>G (p.Thr766Ser)

Gene: KIF11 (kinesin family member 11; plus strand). Cytogenetic location: 10q23.33.
Variant type: single nucleotide variant.
Coding change: c.2297C>G on transcript NM_004523.4 (MANE Select); coding-DNA position 2297, C replaced by G.
Protein change: p.Thr766Ser; replaces threonine 766 with serine.
Molecular consequence: missense variant.
Genome position (GRCh38, 1-based): chr10:92,645,392, C>G. VCF-style: chr10-92645392-C-G. GRCh37 (hg19) VCF-style: chr10-94405149-C-G.
Other names: short protein forms T766S.
Identifiers: ClinVar variation 3622411 (VCV003622411.2).